The following is an entry in ClinVar:

NC_000005.9:g.(?_70930773)_(70930871_?)del

Gene: MCCC2 (methylcrotonyl-CoA carboxylase subunit 2; plus strand). Cytogenetic location: 5q13.2.
Variant type: Deletion.
Identifiers: ClinVar variation 2426735 (VCV002426735.4).

ClinVar aggregate classification (germline): Pathogenic (1 of 4 stars; one submission).

Conditions:
3-methylcrotonyl-CoA carboxylase 2 deficiency. Also called: METHYLCROTONYLGLYCINURIA, TYPE II; 3 alpha methylcrotonyl-CoA carboxylase 2 deficiency; 3 alpha methylcrotonylglycinuria 2; MCC 2 deficiency; Methylcrotonylglycinuria type 2. Identifiers: Orphanet 6, MedGen C1859499, MONDO:0008862, OMIM 210210.

Submission:

Labcorp Genetics (formerly Invitae), Labcorp
Classification: Pathogenic for 3-methylcrotonyl-CoA carboxylase 2 deficiency. Last evaluated: 2022-04-12. Review status: criteria provided, single submitter. Criteria: Invitae Variant Classification Sherloc (09022015). Collection method: clinical testing. Allele origin: germline.
Comment: This variant results in the deletion of part of exon 9 (c.807_903+2del) of the MCCC2 gene. It is expected to disrupt RNA splicing. Variants that disrupt the donor or acceptor splice site typically lead to a loss of protein function (PMID: 16199547), and loss-of-function variants in MCCC2 are known to be pathogenic (PMID: 11181649, 22642865). This variant has not been reported in the literature in individuals affected with MCCC2-related conditions. This variant disrupts a region of the MCCC2 protein in which other variant(s) (p.Asp280Tyr) have been determined to be pathogenic (PMID: 17968484, 22030835, 22150417, 28018443). This suggests that this is a clinically significant region of the protein, and that variants that disrupt it are likely to be disease-causing. For these reasons, this variant has been classified as Pathogenic.

Literature cited by the submitters: PubMed 16199547; PubMed 11181649; PubMed 22642865; PubMed 17968484; PubMed 22030835; PubMed 22150417; PubMed 28018443.